The following is an entry in ClinVar:

NM_001308210.2(TSHZ1):c.2300C>T (p.Ser767Leu)

Gene: TSHZ1 (teashirt zinc finger homeobox 1; plus strand). Cytogenetic location: 18q22.3.
Variant type: single nucleotide variant.
Coding change: c.2300C>T on transcript NM_001308210.2 (MANE Select); coding-DNA position 2300, C replaced by T.
Protein change: p.Ser767Leu; replaces serine 767 with leucine.
Molecular consequence: missense variant.
Genome position (GRCh38, 1-based): chr18:75,287,707, C>T. VCF-style: chr18-75287707-C-T. GRCh37 (hg19) VCF-style: chr18-72999662-C-T.
Other names: c.2165C>T, p.Ser722Leu (NM_005786.6); c.2165C>T (NM_005786.5); short protein forms S722L, S767L.
Identifiers: ClinVar variation 2391383 (VCV002391383.3), dbSNP rs148699993, ClinGen allele CA9002253.
Genomic context (GRCh38, chr18:75,287,707, plus strand): 5'-GCGCTTTGCAGTCCATCATGAACACCCACCTGGGCAAGGTGTCCAAGCCCGTGAGTCCCT[C>T]GCTGGACCCGCTGGCGATGCTGTACAAGATCAGCAACAGCATGCTGGACAAGCCGGTGTA-3'
Protein context (NP_001295139.1, residues 757-777): LGKVSKPVSP[Ser767Leu]LDPLAMLYKI

ClinVar aggregate classification (germline): Uncertain significance. Review status: criteria provided, multiple submitters, no conflicts (2 of 4 stars). 2 submissions from 2 submitters: Uncertain significance (2). Last evaluated 2026-03-28.

Conditions:
TSHZ1-related disorder. Also called: TSHZ1-related condition.

Allele frequency attached by ClinVar (database versions not stated): gnomAD exomes 0.00001; ExAC 0.00006; TOPMed 0.00011; gnomAD 0.00013; 1000 Genomes Project 30x 0.00016; 1000 Genomes Project 0.00020; ESP Exome Variant Server 0.00031.
gnomAD v4.1: 36 of 1,614,180 alleles (0.0022%); highest among the groups gnomAD compares: African/African-American, 0.041%; no homozygotes.

Submissions (2):

PreventionGenetics, part of Exact Sciences
Classification: Uncertain significance for TSHZ1-related condition. Last evaluated: 2026-03-28. Review status: criteria provided, single submitter. Criteria: ACMG Guidelines, 2015. Collection method: clinical testing. Allele origin: germline.
Comment: The TSHZ1 c.2165C>T variant is predicted to result in the amino acid substitution p.Ser722Leu. To our knowledge, this variant has not been reported in the literature. This variant is reported in 0.044% of alleles in individuals of African descent in gnomAD. Although we suspect that this variant may be benign, at this time, the clinical significance of this variant is uncertain due to the absence of conclusive functional and genetic evidence.

Ambry Genetics
Classification: Uncertain significance. Last evaluated: 2021-08-12. Review status: criteria provided, single submitter. Criteria: Ambry Variant Classification Scheme 2023. Collection method: clinical testing. Allele origin: germline.